The following is an entry in ClinVar:

ClinVar aggregate classification (germline): Uncertain significance. Review status: criteria provided, multiple submitters, no conflicts (2 of 4 stars). 3 submissions from 2 submitters: Uncertain significance (3). Last evaluated 2024-08-22.

Conditions:
Autosomal dominant nonsyndromic hearing loss 22. Also called: DFNA 22; Autosomal dominant nonsyndromic deafness 22. Identifiers: Orphanet 228012, MedGen C2931767, MONDO:0011660, OMIM 606346.
Autosomal recessive nonsyndromic hearing loss 37. Identifiers: Orphanet 90636, MedGen C1843028, MONDO:0011912, OMIM 607821.

Allele frequency attached by ClinVar (database versions not stated): TOPMed 0.00003; gnomAD 0.00004; gnomAD exomes 0.00005.
gnomAD v4.1: 80 of 1,613,952 alleles (0.005%); highest among the groups gnomAD compares: South Asian, 0.0088%; no homozygotes.

Submissions (3):

Labcorp Genetics (formerly Invitae), Labcorp
Classification: Uncertain significance. Last evaluated: 2024-08-22. Review status: criteria provided, single submitter. Criteria: Invitae Variant Classification Sherloc (09022015). Collection method: clinical testing. Allele origin: germline.
Comment: This sequence change replaces isoleucine, which is neutral and non-polar, with asparagine, which is neutral and polar, at codon 1252 of the MYO6 protein (p.Ile1252Asn). This variant is present in population databases (rs773042864, gnomAD 0.004%). This variant has not been reported in the literature in individuals affected with MYO6-related conditions. ClinVar contains an entry for this variant (Variation ID: 911907). Invitae Evidence Modeling of protein sequence and biophysical properties (such as structural, functional, and spatial information, amino acid conservation, physicochemical variation, residue mobility, and thermodynamic stability) indicates that this missense variant is not expected to disrupt MYO6 protein function with a negative predictive value of 80%. In summary, the available evidence is currently insufficient to determine the role of this variant in disease. Therefore, it has been classified as a Variant of Uncertain Significance.

Illumina Laboratory Services, Illumina
Classification: Uncertain significance for Autosomal recessive nonsyndromic hearing loss 37. Last evaluated: 2018-01-13. Review status: criteria provided, single submitter. Criteria: ICSL Variant Classification Criteria 13 December 2019. Collection method: clinical testing. Allele origin: germline.

Illumina Laboratory Services, Illumina
Classification: Uncertain significance for Autosomal dominant nonsyndromic hearing loss 22. Last evaluated: 2018-01-13. Review status: criteria provided, single submitter. Criteria: ICSL Variant Classification Criteria 13 December 2019. Collection method: clinical testing. Allele origin: germline.

NM_004999.4(MYO6):c.3755T>A (p.Ile1252Asn)

Gene: MYO6 (myosin VI; plus strand). Cytogenetic location: 6q14.1.
Variant type: single nucleotide variant.
Coding change: c.3755T>A on transcript NM_004999.4 (MANE Select); coding-DNA position 3755, T replaced by A.
Protein change: p.Ile1252Asn; replaces isoleucine 1252 with asparagine.
Molecular consequence: missense variant. On other transcripts: non-coding transcript variant (1).
Genome position (GRCh38, 1-based): chr6:75,914,909, T>A. VCF-style: chr6-75914909-T-A. GRCh37 (hg19) VCF-style: chr6-76624626-T-A.
Other names: c.3686T>A, p.Ile1229Asn (NM_001300899.2); c.3659T>A, p.Ile1220Asn (NM_001368136.1); c.3716T>A, p.Ile1239Asn (NM_001368137.1); c.3671T>A, p.Ile1224Asn (NM_001368138.1); c.3782T>A, p.Ile1261Asn (NM_001368865.1); c.3755T>A, p.Ile1252Asn (NM_001368866.1); short protein forms I1224N, I1220N, I1239N, I1229N, I1252N, I1261N.
Identifiers: ClinVar variation 911907 (VCV000911907.6), dbSNP rs773042864, ClinGen allele CA3897807.
Genomic context (GRCh38, chr6:75,914,909, plus strand): 5'-AGGAGACTGGCCTGACTCGGAAGCGTGGTGCTGAGATCTTGCCAAGACAGTTTGAAGAAA[T>A]CTGGGAACGCTGTGGAGGCATCCAGTACCTTCAGAATGCGATTGAGAGCAGACAGGCTCG-3'
Protein context (NP_004990.3, residues 1242-1262): AEILPRQFEE[Ile1252Asn]WERCGGIQYL